The following is an entry in ClinVar:

NM_206933.4(USH2A):c.5103C>A (p.Asn1701Lys)

Genes: USH2A (usherin; minus strand), USH2A-AS2 (USH2A antisense RNA 2; plus strand). Cytogenetic location: 1q41.
Variant type: single nucleotide variant.
Coding change: c.5103C>A on transcript NM_206933.4 (MANE Select); coding-DNA position 5103, C replaced by A.
Protein change: p.Asn1701Lys; replaces asparagine 1701 with lysine.
Molecular consequence: missense variant.
Genome position (GRCh38, 1-based): chr1:216,084,762, G>T on the plus strand (C>A on the coding strand, the complement: USH2A is on the minus strand). VCF-style: chr1-216084762-G-T. GRCh37 (hg19) VCF-style: chr1-216258104-G-T.
Other names: short protein forms N1701K.
Identifiers: ClinVar variation 1416643 (VCV001416643.5), dbSNP rs750028425, ClinGen allele CA1395541.
Genomic context (GRCh38, chr1:216,084,762, plus strand): 5'-TCCTAGGAACTGAGCTCCCTCATTTAATGAAGCGGGACATCCCTCCCAGCTGTTATACAC[G>T]TTGATTTGTTCTTCAGAACTCTGCCAATCCAGAGGTTCCCAAATAGCTGACGGATTGTAA-3'
Protein context (NP_996816.3, residues 1691-1711): LDWQSSEEQI[Asn1701Lys]VYNSWEGCPA

ClinVar aggregate classification (germline): Uncertain significance (1 of 4 stars; one submission).

gnomAD v4.1: 3 of 1,613,360 alleles (0.00019%); highest among the groups gnomAD compares: Non-Finnish European, 0.00025%; no homozygotes.

Submission:

Labcorp Genetics (formerly Invitae), Labcorp
Classification: Uncertain significance. Last evaluated: 2021-09-17. Review status: criteria provided, single submitter. Criteria: Invitae Variant Classification Sherloc (09022015). Collection method: clinical testing. Allele origin: germline.
Comment: This sequence change replaces asparagine with lysine at codon 1701 of the USH2A protein (p.Asn1701Lys). The asparagine residue is highly conserved and there is a moderate physicochemical difference between asparagine and lysine. This variant is present in population databases (rs750028425, ExAC 0.002%). This variant has not been reported in the literature in individuals with USH2A-related conditions. Algorithms developed to predict the effect of missense changes on protein structure and function (SIFT, PolyPhen-2, Align-GVGD) all suggest that this variant is likely to be disruptive, but these predictions have not been confirmed by published functional studies and their clinical significance is uncertain. In summary, the available evidence is currently insufficient to determine the role of this variant in disease. Therefore, it has been classified as a Variant of Uncertain Significance.